The following is an entry in ClinVar:

ClinVar aggregate classification (germline): Uncertain significance (1 of 4 stars; one submission).

Conditions:
Long QT syndrome (LQTS). Identifiers: MedGen C0023976, MeSH D008133, MONDO:0002442. Disease mechanism: loss of function. Inheritance: Various modes of inheritance.

Submission:

Labcorp Genetics (formerly Invitae), Labcorp
Classification: Uncertain significance for Long QT syndrome. Last evaluated: 2023-04-25. Review status: criteria provided, single submitter. Criteria: Invitae Variant Classification Sherloc (09022015). Collection method: clinical testing. Allele origin: germline.
Comment: In summary, the available evidence is currently insufficient to determine the role of this variant in disease. Therefore, it has been classified as a Variant of Uncertain Significance. Advanced modeling of protein sequence and biophysical properties (such as structural, functional, and spatial information, amino acid conservation, physicochemical variation, residue mobility, and thermodynamic stability) performed at Invitae indicates that this missense variant is not expected to disrupt CACNA1C protein function. This variant has not been reported in the literature in individuals affected with CACNA1C-related conditions. This sequence change replaces isoleucine, which is neutral and non-polar, with threonine, which is neutral and polar, at codon 1879 of the CACNA1C protein (p.Ile1879Thr). This variant is not present in population databases (gnomAD no frequency).

NM_000719.7(CACNA1C):c.5636T>C (p.Ile1879Thr)

Genes: CACNA1C (calcium voltage-gated channel subunit alpha1 C; plus strand), CACNA1C-AS1 (CACNA1C antisense RNA 1; minus strand). Cytogenetic location: 12p13.33.
Variant type: single nucleotide variant.
Coding change: c.5636T>C on transcript NM_000719.7 (MANE Select); coding-DNA position 5636, T replaced by C.
Protein change: p.Ile1879Thr; replaces isoleucine 1879 with threonine.
Molecular consequence: missense variant.
Genome position (GRCh38, 1-based): chr12:2,685,798, T>C. VCF-style: chr12-2685798-T-C. GRCh37 (hg19) VCF-style: chr12-2794964-T-C.
Other names: c.5780T>C, p.Ile1927Thr (NM_001129827.2); c.5759T>C, p.Ile1920Thr (NM_001129829.2); c.5741T>C, p.Ile1914Thr (NM_001129830.3, NM_001167624.3); c.5720T>C, p.Ile1907Thr (NM_001129831.2); c.5696T>C, p.Ile1899Thr (NM_001129832.2); c.5693T>C, p.Ile1898Thr (NM_001129833.2, NM_001129834.2, NM_001129835.2); c.5687T>C, p.Ile1896Thr (NM_001129836.2); c.5660T>C, p.Ile1887Thr (NM_001129837.2, NM_001129838.2); and 6 more; short protein forms I1868T, I1898T, I1914T, I1939T, I1899T, I1907T, I1962T, I1885T.
Identifiers: ClinVar variation 2875245 (VCV002875245.3), dbSNP rs2097428184, ClinGen allele CA383382128.
Genomic context (GRCh38, chr12:2,685,798, plus strand): 5'-TCTCCTACCAGGATGACGAAAATCGGCAACTGACGCTCCCAGAGGAGGACAAGAGGGACA[T>C]CCGGCAATCTCCGAAGAGGGGTTTCCTCCGCTCTGCCTCACTAGGTAAATGCACCGCTCG-3'
Protein context (NP_000710.5, residues 1869-1889): LTLPEEDKRD[Ile1879Thr]RQSPKRGFLR